The following is an entry in ClinVar:

NM_001110556.2(FLNA):c.5887C>G (p.Leu1963Val)

Gene: FLNA (filamin A; minus strand). Cytogenetic location: Xq28.
Variant type: single nucleotide variant.
Coding change: c.5887C>G on transcript NM_001110556.2 (MANE Select); coding-DNA position 5887, C replaced by G.
Protein change: p.Leu1963Val; replaces leucine 1963 with valine.
Molecular consequence: missense variant.
Genome position (GRCh38, 1-based): chrX:154,353,431, G>C on the plus strand (C>G on the coding strand, the complement: FLNA is on the minus strand). VCF-style: chrX-154353431-G-C. GRCh37 (hg19) VCF-style: chrX-153581799-G-C.
Other names: c.5863C>G, p.Leu1955Val (NM_001456.4); short protein forms L1955V, L1963V.
Identifiers: ClinVar variation 3762871 (VCV003762871.2).

ClinVar aggregate classification (germline): Uncertain significance (1 of 4 stars; one submission).

Conditions:
Oto-palato-digital syndrome, type II (OPD2). Also called: Otopalatodigital Syndrome Type 2 (FLNA-OPD2); FACIOPALATOOSSEOUS SYNDROME; OPD II SYNDROME; Otopalatodigital Syndrome, Type II. Identifiers: Orphanet 669, Orphanet 90652, MedGen C1844696, MONDO:0010571, OMIM 304120.
Heterotopia, periventricular, X-linked dominant (PVNH1). Also called: PERIVENTRICULAR NODULAR HETEROTOPIA 1; X-linked periventricular heterotopia; PERIVENTRICULAR NODULAR HETEROTOPIA 4; HETEROTOPIA, PERIVENTRICULAR, 1. Identifiers: Orphanet 2149, Orphanet 82004, MedGen C1848213, MONDO:0010233, OMIM 300049.
Frontometaphyseal dysplasia (FMD1). Identifiers: Orphanet 1826, MedGen C0265293, MONDO:0015942.
Melnick-Needles syndrome (MNS). Also called: Melnick-Needles Syndrome (FLNA-MNS); MELNICK-NEEDLES OSTEODYSPLASTY; OSTEODYSPLASTY OF MELNICK AND NEEDLES. Identifiers: Orphanet 2484, MedGen C0025237, MONDO:0010650, OMIM 309350.

Submission:

Labcorp Genetics (formerly Invitae), Labcorp
Classification: Uncertain significance for Oto-palato-digital syndrome, type II; Heterotopia, periventricular, X-linked dominant; Frontometaphyseal dysplasia; Melnick-Needles syndrome. Last evaluated: 2025-09-08. Review status: criteria provided, single submitter. Criteria: Invitae Variant Classification Sherloc (09022015). Collection method: clinical testing. Allele origin: germline.
Comment: This sequence change replaces leucine, which is neutral and non-polar, with valine, which is neutral and non-polar, at codon 1955 of the FLNA protein (p.Leu1955Val). This variant is not present in population databases (gnomAD no frequency). This variant has not been reported in the literature in individuals affected with FLNA-related conditions. ClinVar contains an entry for this variant (Variation ID: 3762871). Invitae Evidence Modeling of protein sequence and biophysical properties (such as structural, functional, and spatial information, amino acid conservation, physicochemical variation, residue mobility, and thermodynamic stability) indicates that this missense variant is not expected to disrupt FLNA protein function with a negative predictive value of 95%. In summary, the available evidence is currently insufficient to determine the role of this variant in disease. Therefore, it has been classified as a Variant of Uncertain Significance.